The following is an entry in ClinVar:

NM_000094.4(COL7A1):c.7711A>G (p.Lys2571Glu)

Gene: COL7A1 (collagen type VII alpha 1 chain; minus strand). Cytogenetic location: 3p21.31.
Variant type: single nucleotide variant.
Coding change: c.7711A>G on transcript NM_000094.4 (MANE Select); coding-DNA position 7711, A replaced by G.
Protein change: p.Lys2571Glu; replaces lysine 2571 with glutamic acid.
Molecular consequence: missense variant.
Genome position (GRCh38, 1-based): chr3:48,568,831, T>C on the plus strand (A>G on the coding strand, the complement: COL7A1 is on the minus strand). VCF-style: chr3-48568831-T-C. GRCh37 (hg19) VCF-style: chr3-48606264-T-C.
Other names: short protein forms K2571E.
Identifiers: ClinVar variation 1980510 (VCV001980510.2), dbSNP rs750262029, ClinGen allele CA2378343.
Genomic context (GRCh38, chr3:48,568,831, plus strand): 5'-GGGCAGAACTTGCCTGGGGTCCCAGGAGTCCACGCAGTCCTGGCAACCCGGCTGAGCCCT[T>C]GTCACCAGGCTCTCCCTTGCTGCCCTGTGGGAGTGACCAGGAGAGGGATTCAGTCAGGAC-3'
Protein context (NP_000085.1, residues 2561-2581): DKGSKGEPGD[Lys2571Glu]GSAGLPGLRG

ClinVar aggregate classification (germline): Uncertain significance (1 of 4 stars; one submission).

Allele frequency attached by ClinVar (database versions not stated): TOPMed below 0.00001; gnomAD 0.00001; gnomAD exomes 0.00002; ExAC 0.00004.
gnomAD v4.1: 29 of 1,577,006 alleles (0.0018%); highest among the groups gnomAD compares: Non-Finnish European, 0.0019%; no homozygotes.

Submission:

Labcorp Genetics (formerly Invitae), Labcorp
Classification: Uncertain significance. Last evaluated: 2024-04-06. Review status: criteria provided, single submitter. Criteria: Invitae Variant Classification Sherloc (09022015). Collection method: clinical testing. Allele origin: germline.
Comment: This sequence change replaces lysine, which is basic and polar, with glutamic acid, which is acidic and polar, at codon 2571 of the COL7A1 protein (p.Lys2571Glu). The frequency data for this variant in the population databases is considered unreliable, as metrics indicate poor data quality at this position in the gnomAD database. This variant has not been reported in the literature in individuals affected with COL7A1-related conditions. ClinVar contains an entry for this variant (Variation ID: 1980510). Advanced modeling of protein sequence and biophysical properties (such as structural, functional, and spatial information, amino acid conservation, physicochemical variation, residue mobility, and thermodynamic stability) performed at Invitae indicates that this missense variant is not expected to disrupt COL7A1 protein function with a negative predictive value of 95%. In summary, the available evidence is currently insufficient to determine the role of this variant in disease. Therefore, it has been classified as a Variant of Uncertain Significance.